The following is an entry in ClinVar:

ClinVar aggregate classification (germline): Conflicting classifications of pathogenicity. Review status: criteria provided, conflicting classifications (1 of 4 stars). 5 submissions from 5 submitters: Uncertain significance (1); Benign (1); Likely benign (3). Last evaluated 2025-12-28.

Conditions:
Inborn genetic diseases. Identifiers: MedGen C0950123, MeSH D030342.
Cortical dysplasia-focal epilepsy syndrome (PTHSL1). Also called: Pitt-Hopkins-like syndrome 1. Identifiers: Orphanet 163681, Orphanet 221150, MedGen C2750246, MONDO:0012400, OMIM 610042.

Allele frequency attached by ClinVar (database versions not stated): gnomAD exomes 0.00010 and 0.00016; gnomAD 0.00017 and 0.00019; ExAC 0.00018; TOPMed 0.00019; 1000 Genomes Project 0.00020; ESP Exome Variant Server 0.00023; 1000 Genomes Project 30x 0.00047.
gnomAD v4.1: 170 of 1,613,950 alleles (0.011%); highest among the groups gnomAD compares: Middle Eastern, 0.45%; no homozygotes.

Submissions (5):

Labcorp Genetics (formerly Invitae), Labcorp
Classification: Likely benign for Cortical dysplasia-focal epilepsy syndrome. Last evaluated: 2025-12-28. Review status: criteria provided, single submitter. Criteria: Invitae Variant Classification Sherloc (09022015). Collection method: clinical testing. Allele origin: germline.

Blueprint Genetics
Classification: Likely benign. Last evaluated: 2024-10-31. Review status: criteria provided, single submitter. Criteria: ACMG Guidelines, 2015. Collection method: clinical testing. Allele origin: germline.

Ambry Genetics
Classification: Likely benign for Inborn genetic diseases. Last evaluated: 2016-10-12. Review status: criteria provided, single submitter. Criteria: Ambry Variant Classification Scheme 2023. Collection method: clinical testing. Allele origin: germline.

Eurofins Ntd Llc (ga)
Classification: Uncertain significance. Last evaluated: 2015-09-28. Review status: criteria provided, single submitter. Criteria: EGL Classification Definitions 2015. Collection method: clinical testing. Allele origin: germline. Observed: 1 variant allele, 1 heterozygote.

GeneDx
Classification: Benign. Last evaluated: 2015-03-05. Review status: criteria provided, single submitter. Criteria: GeneDx Variant Classification (06012015). Collection method: clinical testing. Allele origin: germline. Affected: yes.
Comment: This variant is considered likely benign or benign based on one or more of the following criteria: it is a conservative change, it occurs at a poorly conserved position in the protein, it is predicted to be benign by multiple in silico algorithms, and/or has population frequency not consistent with disease.

NM_014141.6(CNTNAP2):c.1455T>C (p.Asn485=)

Gene: CNTNAP2 (contactin associated protein 2; plus strand). Cytogenetic location: 7q35.
Variant type: single nucleotide variant.
Coding change: c.1455T>C on transcript NM_014141.6 (MANE Select); coding-DNA position 1455, T replaced by C.
Protein change: p.Asn485=; no amino-acid change (asparagine 485 retained).
Molecular consequence: synonymous variant.
Genome position (GRCh38, 1-based): chr7:147,300,247, T>C. VCF-style: chr7-147300247-T-C. GRCh37 (hg19) VCF-style: chr7-146997339-T-C.
Identifiers: ClinVar variation 283535 (VCV000283535.21), dbSNP rs370095062, ClinGen allele CA4546063.